The following is an entry in ClinVar:

NM_001171.6(ABCC6):c.1318T>G (p.Cys440Gly)

Gene: ABCC6 (ATP binding cassette subfamily C member 6; minus strand). Cytogenetic location: 16p13.11.
Variant type: single nucleotide variant.
Coding change: c.1318T>G on transcript NM_001171.6 (MANE Select); coding-DNA position 1318, T replaced by G.
Protein change: p.Cys440Gly; replaces cysteine 440 with glycine.
Molecular consequence: missense variant. On other transcripts: non-coding transcript variant (1).
Genome position (GRCh38, 1-based): chr16:16,198,041, A>C on the plus strand (T>G on the coding strand, the complement: ABCC6 is on the minus strand). VCF-style: chr16-16198041-A-C. GRCh37 (hg19) VCF-style: chr16-16291898-A-C.
Other names: c.976T>G, p.Cys326Gly (NM_001351800.1); short protein forms C440G, C326G.
Identifiers: ClinVar variation 433229 (VCV000433229.10), dbSNP rs72653766, ClinGen allele CA278663970.
Genomic context (GRCh38, chr16:16,198,041, plus strand): 5'-GGGGACTCCGTTCAAATCCCGTCTTCCTCCTCTGGCATACCTGCCAGAGATAGACGAAGC[A>C]GACCACGATCCAGACGAGAGGCAGCCACAGCCCGTTGAGGTAGAGGACGCTCTCGGTCAG-3'
Protein context (NP_001162.5, residues 430-450): LWLPLVWIVV[Cys440Gly]FVYLWQLLGP

ClinVar aggregate classification (germline): Uncertain significance. Review status: criteria provided, multiple submitters, no conflicts (2 of 4 stars). 4 submissions from 4 submitters: Uncertain significance (3). 1 of the submissions does not count toward it. Last evaluated 2024-01-02.

Conditions:
Autosomal recessive inherited pseudoxanthoma elasticum (PXE). Identifiers: Orphanet 758, MedGen CN032334, MONDO:0009925, OMIM 264800.
Arterial calcification, generalized, of infancy, 2. Identifiers: Orphanet 51608, MedGen C3276161, MONDO:0013768, OMIM 614473.
Pseudoxanthoma elasticum, forme fruste. Also called: Pseudoxanthoma Elasticum, Incomplete; PSEUDOXANTHOMA ELASTICUM, HETEROZYGOUS. Identifiers: Orphanet 758, MedGen C1867450, MONDO:0008333, OMIM 177850.

Allele frequency attached by ClinVar (database versions not stated): TOPMed 0.00001; gnomAD 0.00003.
gnomAD v4.1: 15 of 1,614,060 alleles (0.00093%); highest among the groups gnomAD compares: Middle Eastern, 0.049%; no homozygotes.

Submissions (4):

Fulgent Genetics
Classification: Uncertain significance for Pseudoxanthoma elasticum, forme fruste; Autosomal recessive inherited pseudoxanthoma elasticum; Arterial calcification, generalized, of infancy, 2. Last evaluated: 2024-01-02. Review status: criteria provided, single submitter. Criteria: ACMG Guidelines, 2015. Collection method: clinical testing. Allele origin: germline.

Labcorp Genetics (formerly Invitae), Labcorp
Classification: Uncertain significance. Last evaluated: 2022-08-21. Review status: criteria provided, single submitter. Criteria: Invitae Variant Classification Sherloc (09022015). Collection method: clinical testing. Allele origin: germline.
Comment: This sequence change replaces cysteine, which is neutral and slightly polar, with glycine, which is neutral and non-polar, at codon 440 of the ABCC6 protein (p.Cys440Gly). This variant is not present in population databases (gnomAD no frequency). This missense change has been observed in individual(s) with pseudoxanthoma elasticum (PMID: 15459974). ClinVar contains an entry for this variant (Variation ID: 433229). Algorithms developed to predict the effect of missense changes on protein structure and function (SIFT, PolyPhen-2, Align-GVGD) all suggest that this variant is likely to be tolerated. In summary, the available evidence is currently insufficient to determine the role of this variant in disease. Therefore, it has been classified as a Variant of Uncertain Significance.

Blueprint Genetics
Classification: Uncertain significance. Last evaluated: 2020-06-05. Review status: criteria provided, single submitter. Criteria: ACMG Guidelines, 2015. Collection method: clinical testing. Allele origin: germline.

PXE International
Classification: Uncertain significance for Autosomal recessive inherited pseudoxanthoma elasticum. Last evaluated: 2021-02-16. Review status: no assertion criteria provided. Collection method: research. Allele origin: germline. Inheritance: Autosomal recessive inheritance. Affected: yes. Not counted in ClinVar's aggregate classification.

Literature cited by the submitters: PubMed 15459974 (cited by Labcorp Genetics (formerly Invitae), Labcorp and PXE International); PubMed 32873932 (cited by PXE International).